The following is an entry in ClinVar:

ClinVar aggregate classification (germline): Uncertain significance. Review status: criteria provided, multiple submitters, no conflicts (2 of 4 stars). 3 submissions from 3 submitters: Uncertain significance (3). Last evaluated 2026-01-19.

Allele frequency attached by ClinVar (database versions not stated): ExAC 0.00001; gnomAD exomes 0.00001; gnomAD 0.00002.
gnomAD v4.1: 15 of 1,613,286 alleles (0.00093%); highest among the groups gnomAD compares: Admixed American, 0.0033%; no homozygotes.

Submissions (3):

Labcorp Genetics (formerly Invitae), Labcorp
Classification: Uncertain significance. Last evaluated: 2026-01-19. Review status: criteria provided, single submitter. Criteria: Invitae Variant Classification Sherloc (09022015). Collection method: clinical testing. Allele origin: germline.
Comment: This sequence change replaces threonine, which is neutral and polar, with methionine, which is neutral and non-polar, at codon 1174 of the CNGB1 protein (p.Thr1174Met). This variant is present in population databases (rs758143647, gnomAD 0.003%). This variant has not been reported in the literature in individuals affected with CNGB1-related conditions. ClinVar contains an entry for this variant (Variation ID: 1513954). Invitae Evidence Modeling of protein sequence and biophysical properties (such as structural, functional, and spatial information, amino acid conservation, physicochemical variation, residue mobility, and thermodynamic stability) indicates that this missense variant is not expected to disrupt CNGB1 protein function with a negative predictive value of 95%. In summary, the available evidence is currently insufficient to determine the role of this variant in disease. Therefore, it has been classified as a Variant of Uncertain Significance.

Blueprint Genetics
Classification: Uncertain significance. Last evaluated: 2023-12-04. Review status: criteria provided, single submitter. Criteria: ACMG Guidelines, 2015. Collection method: clinical testing. Allele origin: germline.

GeneDx
Classification: Uncertain significance. Last evaluated: 2023-05-04. Review status: criteria provided, single submitter. Criteria: GeneDx Variant Classification Process June 2021. Collection method: clinical testing. Allele origin: germline. Affected: yes.
Comment: Not observed at significant frequency in large population cohorts (gnomAD); In silico analysis supports that this missense variant does not alter protein structure/function; Has not been previously published as pathogenic or benign to our knowledge

NM_001297.5(CNGB1):c.3521C>T (p.Thr1174Met)

Gene: CNGB1 (cyclic nucleotide gated channel subunit beta 1; minus strand). Cytogenetic location: 16q21.
Variant type: single nucleotide variant.
Coding change: c.3521C>T on transcript NM_001297.5 (MANE Select); coding-DNA position 3521, C replaced by T.
Protein change: p.Thr1174Met; replaces threonine 1174 with methionine.
Molecular consequence: missense variant.
Genome position (GRCh38, 1-based): chr16:57,884,399, G>A on the plus strand (C>T on the coding strand, the complement: CNGB1 is on the minus strand). VCF-style: chr16-57884399-G-A. GRCh37 (hg19) VCF-style: chr16-57918303-G-A.
Other names: c.3503C>T, p.Thr1168Met (NM_001286130.2); c.3521C>T (NM_001297.4); short protein forms T1174M, T1168M.
Identifiers: ClinVar variation 1513954 (VCV001513954.9), dbSNP rs758143647, ClinGen allele CA8082518.